The following is an entry in ClinVar:

ClinVar aggregate classification (germline): Pathogenic (1 of 4 stars; one submission).

Conditions:
Familial adenomatous polyposis 1 (FAP1). Also called: FAMILIAL ADENOMATOUS POLYPOSIS 1, ATTENUATED; POLYPOSIS, ADENOMATOUS INTESTINAL. Identifiers: MedGen C2713442, MONDO:0021056, OMIM 175100. Disease mechanism: loss of function.

Submission:

Labcorp Genetics (formerly Invitae), Labcorp
Classification: Pathogenic for Familial adenomatous polyposis 1. Last evaluated: 2021-07-14. Review status: criteria provided, single submitter. Criteria: Invitae Variant Classification Sherloc (09022015). Collection method: clinical testing. Allele origin: germline.
Comment: This sequence change creates a premature translational stop signal (p.Glu601*) in the APC gene. It is expected to result in an absent or disrupted protein product. Loss-of-function variants in APC are known to be pathogenic (PMID: 17963004, 20685668). This variant is not present in population databases (ExAC no frequency). This variant has not been reported in the literature in individuals with APC-related conditions. For these reasons, this variant has been classified as Pathogenic.

Literature cited by the submitters: PubMed 17963004; PubMed 20685668.

NM_000038.6(APC):c.1801G>T (p.Glu601Ter)

Gene: APC (APC regulator of Wnt signaling pathway; plus strand). Cytogenetic location: 5q22.2.
Variant type: single nucleotide variant.
Coding change: c.1801G>T on transcript NM_000038.6 (MANE Select); coding-DNA position 1801, G replaced by T.
Protein change: p.Glu601Ter; replaces glutamic acid 601 with a stop codon.
Molecular consequence: nonsense.
Genome position (GRCh38, 1-based): chr5:112,835,008, G>T. VCF-style: chr5-112835008-G-T. GRCh37 (hg19) VCF-style: chr5-112170705-G-T.
Other names: c.1801G>T, p.Glu601Ter (NM_001127510.3, NM_001354895.2); c.1747G>T, p.Glu583Ter (NM_001127511.3); c.1855G>T, p.Glu619Ter (NM_001354896.2); c.1831G>T, p.Glu611Ter (NM_001354897.2); c.1726G>T, p.Glu576Ter (NM_001354898.2); c.1717G>T, p.Glu573Ter (NM_001354899.2); c.1678G>T, p.Glu560Ter (NM_001354900.2); c.1624G>T, p.Glu542Ter (NM_001354901.2); and 5 more; short protein forms E619*, E510*, E601*, E318*, E500*, E542*, E583*, E611*.
Identifiers: ClinVar variation 1387554 (VCV001387554.1), dbSNP rs2149841665, ClinGen allele CA16025260.
Genomic context (GRCh38, chr5:112,835,008, plus strand): 5'-TAGGAATCAACCCTCAAAAGCGTATTGAGTGCCTTATGGAATTTGTCAGCACATTGCACT[G>T]AGAATAAAGCTGATATATGTGCTGTAGATGGTGCACTTGCATTTTTGGTTGGCACTCTTA-3'